The following is an entry in ClinVar:

NM_006623.4(PHGDH):c.1069A>G (p.Ile357Val)

Gene: PHGDH (phosphoglycerate dehydrogenase; plus strand). Cytogenetic location: 1p12.
Variant type: single nucleotide variant.
Coding change: c.1069A>G on transcript NM_006623.4 (MANE Select); coding-DNA position 1069, A replaced by G.
Protein change: p.Ile357Val; replaces isoleucine 357 with valine.
Molecular consequence: missense variant.
Genome position (GRCh38, 1-based): chr1:119,740,509, A>G. VCF-style: chr1-119740509-A-G. GRCh37 (hg19) VCF-style: chr1-120283132-A-G.
Other names: short protein forms I357V.
Identifiers: ClinVar variation 2160619 (VCV002160619.1), dbSNP rs1235179944, ClinGen allele CA341852630.
Genomic context (GRCh38, chr1:119,740,509, plus strand): 5'-GAAGCTCTGGGGACACTGATGCGAGCCTGGGCTGGGTCCCCCAAAGGGACCATCCAGGTG[A>G]TAACACAGGGTGAGCTGGGGACCTTGCAGAGGGAGGGGGAGGAGGGGATGAGGGAGTGTG-3'
Protein context (NP_006614.2, residues 347-367): AGSPKGTIQV[Ile357Val]TQGTSLKNAG

ClinVar aggregate classification (germline): Uncertain significance (1 of 4 stars; one submission).

Conditions:
PHGDH deficiency. Identifiers: Orphanet 79351, MedGen C1866174, MONDO:0011152, OMIM 601815.

Allele frequency attached by ClinVar (database versions not stated): gnomAD 0.00001; gnomAD exomes 0.00002; TOPMed 0.00002.
gnomAD v4.1: 26 of 1,577,494 alleles (0.0016%); highest among the groups gnomAD compares: Admixed American, 0.0074%; no homozygotes.

Submission:

Labcorp Genetics (formerly Invitae), Labcorp
Classification: Uncertain significance for PHGDH deficiency. Last evaluated: 2021-09-17. Review status: criteria provided, single submitter. Criteria: Invitae Variant Classification Sherloc (09022015). Collection method: clinical testing. Allele origin: germline.
Comment: This sequence change replaces isoleucine with valine at codon 357 of the PHGDH protein (p.Ile357Val). The isoleucine residue is weakly conserved and there is a small physicochemical difference between isoleucine and valine. This variant is not present in population databases (ExAC no frequency). This variant has not been reported in the literature in individuals affected with PHGDH-related conditions. Algorithms developed to predict the effect of missense changes on protein structure and function output the following: SIFT: "Tolerated"; PolyPhen-2: "Benign"; Align-GVGD: "Class C0". The valine amino acid residue is found in multiple mammalian species, which suggests that this missense change does not adversely affect protein function. Algorithms developed to predict the effect of sequence changes on RNA splicing suggest that this variant may create or strengthen a splice site. In summary, the available evidence is currently insufficient to determine the role of this variant in disease. Therefore, it has been classified as a Variant of Uncertain Significance.